The following is an entry in ClinVar:

NM_000492.4(CFTR):c.2968dup (p.Thr990fs)

Genes: CFTR (CF transmembrane conductance regulator; plus strand), CFTR-AS2 (CFTR antisense RNA 2; minus strand). Cytogenetic location: 7q31.2.
Variant type: Duplication.
Coding change: c.2968dup on transcript NM_000492.4 (MANE Select); coding-DNA position 2968, one base duplicated (A; older notation c.2968dupA).
Protein change: p.Thr990fs; shifts the reading frame from threonine 990.
Molecular consequence: frameshift variant.
Genome position (GRCh38, 1-based): chr7:117,606,733, A duplicated. VCF-style (leftmost placement, unchanged base first): chr7-117606732-T-TA. GRCh37 (hg19) VCF-style: chr7-117246786-T-TA.
Other names: c.2968dupA (NM_000492.4); short protein forms T990fs.
Identifiers: ClinVar variation 3384946 (VCV003384946.1), dbSNP rs397508466.
Genomic context (GRCh38, chr7:117,606,732, plus strand): 5'-AGGTGGGATTCTTAATAGATTCTCCAAAGATATAGCAATTTTGGATGACCTTCTGCCTCT[T>TA]ACCATATTTGACTTCATCCAGGTATGTAAAAATAAGTACCGTTAAGTATGTCTGTATTAT-3'

ClinVar aggregate classification (germline): Pathogenic (1 of 4 stars; one submission).

Conditions:
Cystic fibrosis (CF). Also called: MUCOVISCIDOSIS. Identifiers: Orphanet 586, MedGen C0010674, MONDO:0009061, OMIM 219700. Disease mechanism: loss of function.

Submission:

Women's Health and Genetics/Laboratory Corporation of America, LabCorp
Classification: Pathogenic for Cystic fibrosis. Last evaluated: 2024-10-04. Review status: criteria provided, single submitter. Criteria: LabCorp Variant Classification Summary - May 2015. Collection method: clinical testing. Allele origin: germline.
Comment: Variant summary: CFTR c.2968dupA (p.Thr990AsnfsX4), also referred to as c.3100insA (legacy nomenclature,) results in a premature termination codon, predicted to cause a truncation of the encoded protein or absence of the protein due to nonsense mediated decay, which are commonly known mechanisms for disease. The variant was absent in 251152 control chromosomes. c.2968dupA has been reported in the literature in at least one individual affected with Cystic Fibrosis who was compound heterozygous with F508del in trans (Dork_1994). The following publication has been ascertained in the context of this evaluation (PMID: 7525450). No submitters have cited clinical-significance assessments for this variant to ClinVar. Based on the evidence outlined above, the variant was classified as pathogenic.

Literature cited by the submitters: PubMed 7525450.